The following is an entry in ClinVar:

ClinVar aggregate classification (germline): Uncertain significance (1 of 4 stars; one submission).

Conditions:
Glycogen storage disease due to muscle and heart glycogen synthase deficiency. Also called: GSD 0b; MUSCLE GLYCOGEN SYNTHASE DEFICIENCY. Identifiers: Orphanet 137625, MedGen C1969054, MONDO:0012693, OMIM 611556.

Allele frequency attached by ClinVar (database versions not stated): gnomAD 0.00001 and 0.00002; TOPMed 0.00001; ExAC 0.00002; gnomAD exomes 0.00002.

Submission:

Labcorp Genetics (formerly Invitae), Labcorp
Classification: Uncertain significance for Glycogen storage disease due to muscle and heart glycogen synthase deficiency. Last evaluated: 2022-08-20. Review status: criteria provided, single submitter. Criteria: Invitae Variant Classification Sherloc (09022015). Collection method: clinical testing. Allele origin: germline.
Comment: In summary, the available evidence is currently insufficient to determine the role of this variant in disease. Therefore, it has been classified as a Variant of Uncertain Significance. Algorithms developed to predict the effect of missense changes on protein structure and function are either unavailable or do not agree on the potential impact of this missense change (SIFT: "Deleterious"; PolyPhen-2: "Probably Damaging"; Align-GVGD: "Class C0"). ClinVar contains an entry for this variant (Variation ID: 659273). This variant has not been reported in the literature in individuals affected with GYS1-related conditions. This variant is present in population databases (rs769215150, gnomAD 0.02%). This sequence change replaces tyrosine, which is neutral and polar, with cysteine, which is neutral and slightly polar, at codon 351 of the GYS1 protein (p.Tyr351Cys).

NM_002103.5(GYS1):c.1052A>G (p.Tyr351Cys)

Gene: GYS1 (glycogen synthase 1; minus strand). Cytogenetic location: 19q13.33.
Variant type: single nucleotide variant.
Coding change: c.1052A>G on transcript NM_002103.5 (MANE Select); coding-DNA position 1052, A replaced by G.
Protein change: p.Tyr351Cys; replaces tyrosine 351 with cysteine.
Molecular consequence: missense variant. On other transcripts: non-coding transcript variant (1).
Genome position (GRCh38, 1-based): chr19:48,982,265, T>C on the plus strand (A>G on the coding strand, the complement: GYS1 is on the minus strand). VCF-style: chr19-48982265-T-C. GRCh37 (hg19) VCF-style: chr19-49485522-T-C.
Other names: c.860A>G, p.Tyr287Cys (NM_001161587.2); short protein forms Y287C, Y351C.
Identifiers: ClinVar variation 659273 (VCV000659273.6), dbSNP rs769215150, ClinGen allele CA9563128.